The following is an entry in ClinVar:

NM_001267550.2(TTN):c.7855G>A (p.Gly2619Ser)

Gene: TTN (titin; minus strand). Cytogenetic location: 2q31.2.
Variant type: single nucleotide variant.
Coding change: c.7855G>A on transcript NM_001267550.2 (MANE Select); coding-DNA position 7855, G replaced by A.
Protein change: p.Gly2619Ser; replaces glycine 2619 with serine.
Molecular consequence: missense variant.
Genome position (GRCh38, 1-based): chr2:178,773,109, C>T on the plus strand (G>A on the coding strand, the complement: TTN is on the minus strand). VCF-style: chr2-178773109-C-T. GRCh37 (hg19) VCF-style: chr2-179637836-C-T.
Other names: c.7855G>A, p.Gly2619Ser (NM_001256850.1, NM_133378.4, NM_133379.5); c.7717G>A, p.Gly2573Ser (NM_003319.4, NM_133432.3, NM_133437.4); short protein forms G2573S, G2619S.
Identifiers: ClinVar variation 2931100 (VCV002931100.3), dbSNP rs2532648050, ClinGen allele CA349678831.

ClinVar aggregate classification (germline): Uncertain significance (1 of 4 stars; one submission).

Conditions:
Autosomal recessive limb-girdle muscular dystrophy type 2J (LGMDR10). Also called: Limb-girdle muscular dystrophy, type 2J; MUSCULAR DYSTROPHY, LIMB-GIRDLE, AUTOSOMAL RECESSIVE 10. Identifiers: Orphanet 140922, MedGen C1837342, MONDO:0012127, OMIM 608807.
Dilated cardiomyopathy 1G (CMD1G). Identifiers: Orphanet 154, MedGen C1858763, MONDO:0011400, OMIM 604145.

Submission:

Labcorp Genetics (formerly Invitae), Labcorp
Classification: Uncertain significance for Dilated cardiomyopathy 1G; Autosomal recessive limb-girdle muscular dystrophy type 2J. Last evaluated: 2023-05-30. Review status: criteria provided, single submitter. Criteria: Invitae Variant Classification Sherloc (09022015). Collection method: clinical testing. Allele origin: germline.
Comment: This variant has not been reported in the literature in individuals affected with TTN-related conditions. In summary, the available evidence is currently insufficient to determine the role of this variant in disease. Therefore, it has been classified as a Variant of Uncertain Significance. This variant is located in the I band of TTN (PMID: 25589632). Variants in this region may be clinically relevant, but have not been definitively shown to cause cardiomyopathy or neuromuscular disease (PMID: 27493940, 32778822). Variants that disrupt the consensus splice site are a relatively common cause of aberrant splicing (PMID: 17576681, 9536098). Algorithms developed to predict the effect of sequence changes on RNA splicing suggest that this variant may create or strengthen a splice site. Experimental studies and prediction algorithms are not available or were not evaluated, and the functional significance of this variant is currently unknown. This variant is not present in population databases (gnomAD no frequency). This sequence change replaces glycine, which is neutral and non-polar, with serine, which is neutral and polar, at codon 2619 of the TTN protein (p.Gly2619Ser). This variant also falls at the last nucleotide of exon 33, which is part of the consensus splice site for this exon.

Literature cited by the submitters: PubMed 25589632; PubMed 27493940; PubMed 32778822; PubMed 17576681; PubMed 9536098.